The following is an entry in ClinVar:

ClinVar aggregate classification (germline): Conflicting classifications of pathogenicity. Review status: criteria provided, conflicting classifications (1 of 4 stars). 6 submissions from 6 submitters: Uncertain significance (2); Likely benign (3). 1 of the submissions does not count toward it. Last evaluated 2026-08-01.

Conditions:
ANK3-related disorder. Also called: ANK3-related condition.
Intellectual developmental disorder, autosomal recessive 37. Also called: Intellectual disability-hypotonia-spasticity-sleep disorder syndrome. Identifiers: Orphanet 356996, MedGen C3809672, MONDO:0014210, OMIM 615493.

Allele frequency attached by ClinVar (database versions not stated): 1000 Genomes Project 0.00080; 1000 Genomes Project 30x 0.00109; TOPMed 0.00131; gnomAD 0.00150 and 0.00152; ESP Exome Variant Server 0.00161; gnomAD exomes 0.00172 and 0.00251; ExAC 0.00186.
gnomAD v4.1: 3,860 of 1,612,038 alleles (0.24%); highest among the groups gnomAD compares: Non-Finnish European, 0.29%; 7 homozygotes.

Submissions (6):

CeGaT Center for Human Genetics Tuebingen
Classification: Likely benign. Last evaluated: 2026-08-01. Review status: criteria provided, single submitter. Criteria: CeGaT Center For Human Genetics Tuebingen Variant Classification Criteria Version 2. Collection method: clinical testing. Allele origin: germline. Affected: yes. Observed: 9 variant alleles.
Comment: ANK3: BS2

Labcorp Genetics (formerly Invitae), Labcorp
Classification: Likely benign. Last evaluated: 2025-12-29. Review status: criteria provided, single submitter. Criteria: Invitae Variant Classification Sherloc (09022015). Collection method: clinical testing. Allele origin: germline.

Fulgent Genetics
Classification: Uncertain significance for Intellectual developmental disorder, autosomal recessive 37. Last evaluated: 2018-10-31. Review status: criteria provided, single submitter. Criteria: ACMG Guidelines, 2015. Collection method: clinical testing. Allele origin: unknown.

GeneDx
Classification: Likely benign. Last evaluated: 2018-06-07. Review status: criteria provided, single submitter. Criteria: GeneDx Variant Classification Process June 2021. Collection method: clinical testing. Allele origin: germline. Affected: yes.
Comment: This variant is associated with the following publications: (PMID: 30919572)

Genetic Services Laboratory, University of Chicago
Classification: Uncertain significance. Last evaluated: 2015-02-06. Review status: criteria provided, single submitter. Criteria: ACMG Guidelines, 2015. Collection method: clinical testing. Allele origin: germline.

PreventionGenetics, part of Exact Sciences
Classification: Likely benign for ANK3-related condition. Last evaluated: 2024-02-02. Review status: no assertion criteria provided. Collection method: clinical testing. Allele origin: germline. Not counted in ClinVar's aggregate classification.
Comment: This variant is classified as likely benign based on ACMG/AMP sequence variant interpretation guidelines (Richards et al. 2015 PMID: 25741868, with internal and published modifications).

NM_020987.5(ANK3):c.4465C>T (p.Pro1489Ser)

Gene: ANK3 (ankyrin 3; minus strand). Cytogenetic location: 10q21.2.
Variant type: single nucleotide variant.
Coding change: c.4465C>T on transcript NM_020987.5 (MANE Select); coding-DNA position 4465, C replaced by T.
Protein change: p.Pro1489Ser; replaces proline 1489 with serine.
Molecular consequence: missense variant. On other transcripts: intron variant (4).
Genome position (GRCh38, 1-based): chr10:60,076,416, G>A on the plus strand (C>T on the coding strand, the complement: ANK3 is on the minus strand). VCF-style: chr10-60076416-G-A. GRCh37 (hg19) VCF-style: chr10-61836174-G-A.
Other names: c.4387+4121C>T (NM_001204403.2); c.4408+4121C>T (NM_001204404.2); c.4405+4121C>T (NM_001320874.2); c.1807+4121C>T (NM_001149.4); short protein forms P1489S.
Identifiers: ClinVar variation 210161 (VCV000210161.42), dbSNP rs41274676, ClinGen allele CA208827.